The following is an entry in ClinVar:

NM_001366521.1(ATP2B1):c.1384G>A (p.Ala462Thr)

Gene: ATP2B1 (ATPase plasma membrane Ca2+ transporting 1; minus strand). Cytogenetic location: 12q21.33.
Variant type: single nucleotide variant.
Coding change: c.1384G>A on transcript NM_001366521.1 (MANE Select); coding-DNA position 1384, G replaced by A.
Protein change: p.Ala462Thr; replaces alanine 462 with threonine.
Molecular consequence: missense variant. On other transcripts: non-coding transcript variant (3), intron variant (1).
Genome position (GRCh38, 1-based): chr12:89,621,752, C>T on the plus strand (G>A on the coding strand, the complement: ATP2B1 is on the minus strand). VCF-style: chr12-89621752-C-T. GRCh37 (hg19) VCF-style: chr12-90015529-C-T.
Other names: c.1384G>A, p.Ala462Thr (NM_001001323.2, NM_001366520.1, NM_001366522.1 and 12 more transcripts); c.1186G>A, p.Ala396Thr (NM_001366530.1, NM_001413053.1); c.823G>A, p.Ala275Thr (NM_001366531.1, NM_001366532.1, NM_001413058.1 and 2 more transcripts); c.1345G>A, p.Ala449Thr (NM_001413048.1); c.1243G>A, p.Ala415Thr (NM_001413051.1, NM_001413052.1, NM_001413055.1); c.1129G>A, p.Ala377Thr (NM_001413056.1); c.931G>A, p.Ala311Thr (NM_001413057.1); c.1345-1512G>A (NM_001413054.1); short protein forms A462T, A396T, A275T, A311T, A415T, A377T, A449T.
Identifiers: ClinVar variation 4983455 (VCV004983455.1).
Genomic context (GRCh38, chr12:89,621,752, plus strand): 5'-TTGTCAAAGTTCCTGTTTTATCTGAACAAATAGCTGTAGCATTTCCCATGGTTTCACAAG[C>T]ATCCAGATGCCTTACTAAGTTATTATCTTTCATCATTTTCTACAGTGACCAAAAAAAAAA-3'
Protein context (NP_001353450.1, residues 452-472): KDNNLVRHLD[Ala462Thr]CETMGNATAI

ClinVar aggregate classification (germline): Uncertain significance (1 of 4 stars; one submission).

Conditions:
ATP2B1-related disorder. Also called: ATP2B1-related condition.

Submission:

PreventionGenetics, part of Exact Sciences
Classification: Uncertain significance for ATP2B1-related condition. Last evaluated: 2026-03-18. Review status: criteria provided, single submitter. Criteria: ACMG Guidelines, 2015. Collection method: clinical testing. Allele origin: germline.
Comment: The ATP2B1 c.1384G>A variant is predicted to result in the amino acid substitution p.Ala462Thr. To our knowledge, this variant has not been reported in the literature or in a large population database (gnomAD), indicating this variant is rare. At this time, the clinical significance of this variant is uncertain due to the absence of conclusive functional and genetic evidence.